The following is an entry in ClinVar:

NM_001379500.1(COL18A1):c.654G>T (p.Gly218=)

Gene: COL18A1 (collagen type XVIII alpha 1 chain; plus strand). Cytogenetic location: 21q22.3.
Variant type: single nucleotide variant.
Coding change: c.654G>T on transcript NM_001379500.1 (MANE Select); coding-DNA position 654, G replaced by T.
Protein change: p.Gly218=; no amino-acid change (glycine 218 retained).
Molecular consequence: synonymous variant.
Genome position (GRCh38, 1-based): chr21:45,473,897, G>T. VCF-style: chr21-45473897-G-T. GRCh37 (hg19) VCF-style: chr21-46893811-G-T.
Other names: c.1194G>T, p.Gly398= (NM_030582.4); c.1899G>T, p.Gly633= (NM_130444.3); c.1194G>T (NM_030582.3).
Identifiers: ClinVar variation 2146959 (VCV002146959.7), dbSNP rs369219412, ClinGen allele CA10065836.
Genomic context (GRCh38, chr21:45,473,897, plus strand): 5'-CGGGGTTGCCACTGCCACCTCAGGACCGCTGGTGACCCCTTTCTCTGTCTGCATTTAGGG[G>T]GTGATCGCTGAGCTGAAGGTGCGCAGGGACCCCCAGGTGAGCCCCATGCACTGCCTGGAC-3'
Protein context (NP_001366429.1, residues 208-228): AGGADPDKFQ[Gly218=]VIAELKVRRD

ClinVar aggregate classification (germline): Conflicting classifications of pathogenicity. Review status: criteria provided, conflicting classifications (1 of 4 stars). 4 submissions from 4 submitters: Uncertain significance (1); Likely benign (3). Last evaluated 2026-01-12.

Conditions:
COL18A1-related disorder. Also called: COL18A1-related condition; COL18A1-related disorders.

Allele frequency attached by ClinVar (database versions not stated): TOPMed 0.00002; gnomAD 0.00003; ExAC 0.00007; ESP Exome Variant Server 0.00008.
gnomAD v4.1: 31 of 1,599,828 alleles (0.0019%); highest among the groups gnomAD compares: Middle Eastern, 0.016%; no homozygotes.

Submissions (4):

PreventionGenetics, part of Exact Sciences
Classification: Likely benign for COL18A1-related condition. Last evaluated: 2026-01-12. Review status: criteria provided, single submitter. Criteria: ACMG Guidelines, 2015. Collection method: clinical testing. Allele origin: germline.
Comment: This variant is classified as likely benign based on ACMG/AMP sequence variant interpretation guidelines (Richards et al. 2015 PMID: 25741868, with internal and published modifications).

Labcorp Genetics (formerly Invitae), Labcorp
Classification: Likely benign. Last evaluated: 2025-07-07. Review status: criteria provided, single submitter. Criteria: Invitae Variant Classification Sherloc (09022015). Collection method: clinical testing. Allele origin: germline.

Women's Health and Genetics/Laboratory Corporation of America, LabCorp
Classification: Uncertain significance. Last evaluated: 2023-10-13. Review status: criteria provided, single submitter. Criteria: LabCorp Variant Classification Summary - May 2015. Collection method: clinical testing. Allele origin: germline.
Comment: Variant summary: COL18A1 c.654G>T (p.Gly218Gly) alters a non-conserved nucleotide located close to a canonical splice site and therefore could affect mRNA splicing, leading to a significantly altered protein sequence. Consensus agreement among computation tools predict no significant impact on normal splicing. However, these predictions have yet to be confirmed by functional studies. The variant allele was found at a frequency of 1.3e-05 in 222598 control chromosomes. The available data on variant occurrences in the general population are insufficient to allow any conclusion about variant significance. To our knowledge, no occurrence of c.654G>T in individuals affected with Knobloch Syndrome 1 and no experimental evidence demonstrating its impact on protein function have been reported. One submitter has cited clinical-significance assessments for this variant to ClinVar after 2014 and has classified the variant as uncertain significance. Based on the evidence outlined above, the variant was classified as uncertain significance.

Blueprint Genetics
Classification: Likely benign. Last evaluated: 2022-01-12. Review status: criteria provided, single submitter. Criteria: ACMG Guidelines, 2015. Collection method: clinical testing. Allele origin: germline.